The following is an entry in ClinVar:

ClinVar aggregate classification (germline): Uncertain significance (1 of 4 stars; one submission).

Allele frequency attached by ClinVar (database versions not stated): gnomAD exomes 0.00003.
gnomAD v4.1: 43 of 1,613,752 alleles (0.0027%); highest among the groups gnomAD compares: Non-Finnish European, 0.0036%; no homozygotes.

Submission:

GeneDx
Classification: Uncertain significance. Last evaluated: 2023-03-14. Review status: criteria provided, single submitter. Criteria: GeneDx Variant Classification Process June 2021. Collection method: clinical testing. Allele origin: germline. Affected: yes.
Comment: Not observed at significant frequency in large population cohorts (gnomAD); In silico analysis is inconclusive as to whether the variant alters gene splicing. In the absence of RNA/functional studies, the actual effect of this sequence change is unknown.; Has not been previously published as pathogenic or benign to our knowledge

NM_001715.3(BLK):c.471A>G (p.Lys157=)

Genes: BLK (BLK proto-oncogene, Src family tyrosine kinase), LOC126860303 (CDK7 strongly-dependent group 2 enhancer GRCh37_chr8:11407118-11408317). Cytogenetic location: 8p23.1.
Variant type: single nucleotide variant.
Coding change: c.471A>G on transcript NM_001715.3 (MANE Select); coding-DNA position 471, A replaced by G.
Protein change: p.Lys157=; no amino-acid change (lysine 157 retained).
Molecular consequence: synonymous variant.
Genome position (GRCh38, 1-based): chr8:11,550,261, A>G. VCF-style: chr8-11550261-A-G. GRCh37 (hg19) VCF-style: chr8-11407770-A-G.
Other names: c.258A>G, p.Lys86= (NM_001330465.2).
Identifiers: ClinVar variation 2579843 (VCV002579843.1), dbSNP rs1800842791, ClinGen allele CA459309790.